The following is an entry in ClinVar:

ClinVar aggregate classification (germline): Uncertain significance (0 of 4 stars; one submission).

Conditions:
CHSY1-related disorder. Also called: CHSY1-related condition.

Submission:

PreventionGenetics, part of Exact Sciences
Classification: Uncertain significance for CHSY1-related condition. Last evaluated: 2023-12-04. Review status: no assertion criteria provided. Collection method: clinical testing. Allele origin: germline.
Comment: The CHSY1 c.1040C>T variant is predicted to result in the amino acid substitution p.Thr347Ile. To our knowledge, this variant has not been reported in the literature or in a large population database, indicating this variant is rare. At this time, the clinical significance of this variant is uncertain due to the absence of conclusive functional and genetic evidence.

NM_014918.5(CHSY1):c.1040C>T (p.Thr347Ile)

Gene: CHSY1 (chondroitin sulfate synthase 1; minus strand). Cytogenetic location: 15q26.3.
Variant type: single nucleotide variant.
Coding change: c.1040C>T on transcript NM_014918.5 (MANE Select); coding-DNA position 1040, C replaced by T.
Protein change: p.Thr347Ile; replaces threonine 347 with isoleucine.
Molecular consequence: missense variant.
Genome position (GRCh38, 1-based): chr15:101,178,757, G>A on the plus strand (C>T on the coding strand, the complement: CHSY1 is on the minus strand). VCF-style: chr15-101178757-G-A. GRCh37 (hg19) VCF-style: chr15-101718962-G-A.
Other names: short protein forms T347I.
Identifiers: ClinVar variation 3036070 (VCV003036070.2), dbSNP rs2505673905, ClinGen allele CA393963010.